The following continues an entry in ClinVar:

NM_000059.4(BRCA2):c.5682C>G (p.Tyr1894Ter)

Gene: BRCA2. ClinVar aggregate classification (germline): Pathogenic. Pathogenic (1).

Submissions 41 to 51 of 51:

BRCAlab, Lund University
Classification: Pathogenic for Breast-ovarian cancer, familial, susceptibility to, 2. Last evaluated: 2020-03-02. Review status: no assertion criteria provided. Collection method: clinical testing. Allele origin: germline. Affected: yes. Not counted in ClinVar's aggregate classification.

German Consortium for Hereditary Breast and Ovarian Cancer, University Hospital Cologne
Classification: Pathogenic for Ovarian neoplasm. Last evaluated: 2018-12-01. Review status: no assertion criteria provided. Collection method: research. Allele origin: germline. Affected: yes. Not counted in ClinVar's aggregate classification.

Foulkes Cancer Genetics LDI, Lady Davis Institute for Medical Research
Classification: Pathogenic for Breast and/or ovarian cancer. Last evaluated: 2015-11-23. Review status: no assertion criteria provided. Collection method: clinical testing. Allele origin: germline. Study: The Canadian Open Genetics Repository (COGR). Not counted in ClinVar's aggregate classification.

Counsyl
Classification: Pathogenic for Breast-ovarian cancer, familial, susceptibility to, 2. Last evaluated: 2015-09-29. Review status: no assertion criteria provided. Collection method: clinical testing. Allele origin: unknown. Not counted in ClinVar's aggregate classification.

CSER _CC_NCGL, University of Washington
Classification: Pathogenic for Ovarian cancer. Last evaluated: 2014-06-01. Review status: no assertion criteria provided. Collection method: research. Allele origin: germline. Inheritance: Autosomal dominant inheritance. Study: ESP 6500 variant annotation. Not counted in ClinVar's aggregate classification.
Comment: Variants classified for the Actionable exomic incidental findings in 6503 participants: challenges of variant classification manuscript

Research Molecular Genetics Laboratory, Women's College Hospital, University of Toronto
Classification: Pathogenic for Hereditary breast ovarian cancer syndrome. Last evaluated: 2014-01-31. Review status: no assertion criteria provided. Collection method: research. Allele origin: germline. Affected: yes. Study: The Canadian Open Genetics Repository (COGR). Not counted in ClinVar's aggregate classification.

Sharing Clinical Reports Project (SCRP)
Classification: Pathogenic for Breast-ovarian cancer, familial 2. Last evaluated: 2012-07-19. Review status: no assertion criteria provided. Collection method: clinical testing. Allele origin: germline. Not counted in ClinVar's aggregate classification.

Breast Cancer Information Core (BIC) (BRCA2)
Classification: Pathogenic for Breast-ovarian cancer, familial 2. Last evaluated: 2002-05-29. Review status: no assertion criteria provided. Collection method: clinical testing. Allele origin: germline, unknown. Affected: yes. Observed: 62 variant alleles. Not counted in ClinVar's aggregate classification.

Center for Precision Medicine, Meizhou People's Hospital
Classification: Pathogenic for Familial cancer of breast. Review status: no assertion criteria provided. Collection method: literature only. Allele origin: germline. Affected: yes. Not counted in ClinVar's aggregate classification.

Department of Pathology and Laboratory Medicine, Sinai Health System
Classification: Pathogenic. Review status: no assertion criteria provided. Collection method: clinical testing. Allele origin: unknown. Affected: yes. Study: The Canadian Open Genetics Repository (COGR). Not counted in ClinVar's aggregate classification.
Comment: The BRCA2 p.Tyr1894* variant was identified in 18 of 8970 proband chromosomes (frequency: 0.002) from Chinese, Italian, and Czech individuals or families with breast, ovarian and prostate cancers and was not identified in 182 control chromosomes from healthy individuals (Cini 2016, Cao WM, Risch 2001, Edwards 2010, Pohlreich 2005, Borg 2010, Caux-Moncoutier 2009). The variant was also identified in dbSNP (ID: rs41293497) as â€šÃ„ÃºWith Likely benign, Pathogenic alleleâ€šÃ„Ã¹, and in the NHLBI GO Exome Sequencing Project in 1 of 8596 European American alleles (frequency: 0.0001). The variant was identified in ClinVar (classified as pathogenic by ENIGMA, GeneDX, Invitae, Ambry Genetics, and five other submitters). In addition, the variant was identified as pathogenic in the COGR database by Womenâ€šÃ„Ã´s College Hospital, Childrenâ€šÃ„Ã´sâ€šÃ„Ã´ Hospital of Eastern Ontario, Kingston General Hospital â€šÃ„Ã¬ Queenâ€šÃ„Ã´s University and North York General Hospital. The variant was also identified by our laboratory in three individuals with breast and basal cell carcinomas, in the BIC database (67x as Class 5 with clinical importance), and in the ARUP Laboratories BRCA Mutations Database (as definitely pathogenic). The variant was not identified in COSMIC, the Fanconi Anemia Mutation Database (LOVD), the 1000 Genomes Project, or the Exome Aggregation Consortium database (August 8, 2016). The p.Tyr1894* variant leads to a premature stop codon at position 1894, which is predicted to lead to a truncated or absent protein and loss of function. Loss of function variants of the BRCA2 gene are an established mechanism of disease in hereditary breast and ovarian cancer and is the type of variant expected to cause the disorder. In summary, based on the above information, this variant meets our laboratoryâ€šÃ„Ã´s criteria to be classified as pathogenic.

Diagnostic Laboratory, Department of Genetics, University Medical Center Groningen
Classification: Pathogenic for Breast-ovarian cancer, familial, susceptibility to, 2. Review status: no assertion criteria provided. Collection method: clinical testing. Allele origin: germline. Affected: yes. Study: VKGL Data-share Consensus. Not counted in ClinVar's aggregate classification.

Literature cited by the submitters: PubMed 20104584 (cited by 8 submitters); PubMed 11179017 (cited by 9 submitters); PubMed 15070707 (cited by 8 submitters); PubMed 16168118 (cited by 7 submitters); PubMed 18042939 (cited by 6 submitters); PubMed 20736950 (cited by 9 submitters); PubMed 15340362 (cited by Ambry Genetics and Women's Health and Genetics/Laboratory Corporation of America, LabCorp); PubMed 24055113 (cited by Ambry Genetics and Quest Diagnostics Nichols Institute San Juan Capistrano); PubMed 24156927 (cited by 4 submitters); PubMed 27741520 (cited by 4 submitters); PubMed 29161300 (cited by 3 submitters); PubMed 29339979 (cited by Ambry Genetics and Quest Diagnostics Nichols Institute San Juan Capistrano); PubMed 29360161 (cited by 6 submitters); PubMed 29446198 (cited by 3 submitters); PubMed 29478780 (cited by 5 submitters); PubMed 31174498 (cited by Ambry Genetics and Quest Diagnostics Nichols Institute San Juan Capistrano); PubMed 31837001 (cited by Ambry Genetics); PubMed 31957001 (cited by Ambry Genetics and Quest Diagnostics Nichols Institute San Juan Capistrano); PubMed 32101877 (cited by Ambry Genetics and Quest Diagnostics Nichols Institute San Juan Capistrano); PubMed 32190957 (cited by Ambry Genetics); PubMed 32318955 (cited by Ambry Genetics and Quest Diagnostics Nichols Institute San Juan Capistrano); PubMed 32521533 (cited by Ambry Genetics and Quest Diagnostics Nichols Institute San Juan Capistrano); PubMed 32885271 (cited by Ambry Genetics and Quest Diagnostics Nichols Institute San Juan Capistrano); PubMed 33461583 (cited by Ambry Genetics); PubMed 17972171 (cited by 3 submitters); PubMed 25682074 (cited by Color Diagnostics, LLC DBA Color Health and All of Us Research Program, National Institutes of Health); PubMed 25927356 (cited by Color Diagnostics, LLC DBA Color Health and All of Us Research Program, National Institutes of Health); PubMed 26219728 (cited by Color Diagnostics, LLC DBA Color Health and All of Us Research Program, National Institutes of Health); PubMed 26687385 (cited by Color Diagnostics, LLC DBA Color Health and All of Us Research Program, National Institutes of Health); PubMed 28294317 (cited by 4 submitters); PubMed 28724667 (cited by 3 submitters); PubMed 28831036 (cited by Color Diagnostics, LLC DBA Color Health and All of Us Research Program, National Institutes of Health); PubMed 30287823 (cited by Color Diagnostics, LLC DBA Color Health and All of Us Research Program, National Institutes of Health); PubMed 33471991 (cited by 3 submitters); PubMed 25637381 (cited by Quest Diagnostics Nichols Institute San Juan Capistrano); PubMed 29907814 (cited by Quest Diagnostics Nichols Institute San Juan Capistrano); PubMed 29909963 (cited by Quest Diagnostics Nichols Institute San Juan Capistrano); PubMed 11597388 (cited by Quest Diagnostics Nichols Institute San Juan Capistrano); PubMed 25525159 (cited by Quest Diagnostics Nichols Institute San Juan Capistrano and Counsyl); PubMed 28423363 (cited by Quest Diagnostics Nichols Institute San Juan Capistrano); PubMed 30702160 (cited by Quest Diagnostics Nichols Institute San Juan Capistrano); PubMed 30720243 (cited by Quest Diagnostics Nichols Institute San Juan Capistrano); PubMed 30787465 (cited by Quest Diagnostics Nichols Institute San Juan Capistrano); PubMed 31447099 (cited by Quest Diagnostics Nichols Institute San Juan Capistrano); PubMed 31825140 (cited by Quest Diagnostics Nichols Institute San Juan Capistrano); PubMed 32029870 (cited by Quest Diagnostics Nichols Institute San Juan Capistrano); PubMed 32467295 (cited by Quest Diagnostics Nichols Institute San Juan Capistrano); PubMed 32581362 (cited by Quest Diagnostics Nichols Institute San Juan Capistrano); PubMed 33087929 (cited by Quest Diagnostics Nichols Institute San Juan Capistrano); PubMed 34399810 (cited by Quest Diagnostics Nichols Institute San Juan Capistrano); PubMed 26295337 (cited by Quest Diagnostics Nichols Institute San Juan Capistrano); PubMed 21120943 (cited by Women's Health and Genetics/Laboratory Corporation of America, LabCorp).